The following is an entry in ClinVar:

ClinVar aggregate classification (germline): Uncertain significance. Review status: criteria provided, multiple submitters, no conflicts (2 of 4 stars). 4 submissions from 4 submitters: Uncertain significance (3). 1 of the submissions does not count toward it. Last evaluated 2024-11-23.

Conditions:
ANKRD26-related disorder. Also called: ANKRD26-related condition.
Inborn genetic diseases. Identifiers: MedGen C0950123, MeSH D030342.

Allele frequency attached by ClinVar (database versions not stated): gnomAD 0.00001; gnomAD exomes 0.00001; TOPMed 0.00001.
gnomAD v4.1: 11 of 1,613,748 alleles (0.00068%); highest among the groups gnomAD compares: African/African-American, 0.0013%; no homozygotes.

Submissions (4):

Ambry Genetics
Classification: Uncertain significance for Inborn genetic diseases. Last evaluated: 2024-11-23. Review status: criteria provided, single submitter. Criteria: Ambry Variant Classification Scheme 2023. Collection method: clinical testing. Allele origin: germline.
Comment: The p.S257L variant (also known as c.770C>T), located in coding exon 7 of the ANKRD26 gene, results from a C to T substitution at nucleotide position 770. The serine at codon 257 is replaced by leucine, an amino acid with dissimilar properties. This amino acid position is conserved. In addition, this alteration is predicted to be tolerated by in silico analysis. Based on the available evidence, the clinical significance of this variant remains unclear.

GeneDx
Classification: Uncertain significance. Last evaluated: 2024-05-08. Review status: criteria provided, single submitter. Criteria: GeneDx Variant Classification Process June 2021. Collection method: clinical testing. Allele origin: germline. Affected: yes.
Comment: Not observed at significant frequency in large population cohorts (gnomAD); In silico analysis supports that this missense variant has a deleterious effect on protein structure/function; Has not been previously published as pathogenic or benign to our knowledge

Genetic Services Laboratory, University of Chicago
Classification: Uncertain significance. Last evaluated: 2018-03-16. Review status: criteria provided, single submitter. Criteria: ACMG Guidelines, 2015. Collection method: clinical testing. Allele origin: germline. Affected: no.

PreventionGenetics, part of Exact Sciences
Classification: Uncertain significance for ANKRD26-related condition. Last evaluated: 2024-08-12. Review status: no assertion criteria provided. Collection method: clinical testing. Allele origin: germline. Not counted in ClinVar's aggregate classification.
Comment: The ANKRD26 c.770C>T variant is predicted to result in the amino acid substitution p.Ser257Leu. To our knowledge, this variant has not been reported in the literature. This variant is reported in 0.0041% of alleles in individuals of African descent in gnomAD and is classified as a variant of uncertain significance in ClinVar. At this time, the clinical significance of this variant is uncertain due to the absence of conclusive functional and genetic evidence.

NM_014915.3(ANKRD26):c.770C>T (p.Ser257Leu)

Gene: ANKRD26 (ankyrin repeat domain containing 26; minus strand). Cytogenetic location: 10p12.1.
Variant type: single nucleotide variant.
Coding change: c.770C>T on transcript NM_014915.3 (MANE Select); coding-DNA position 770, C replaced by T.
Protein change: p.Ser257Leu; replaces serine 257 with leucine.
Molecular consequence: missense variant.
Genome position (GRCh38, 1-based): chr10:27,079,132, G>A on the plus strand (C>T on the coding strand, the complement: ANKRD26 is on the minus strand). VCF-style: chr10-27079132-G-A. GRCh37 (hg19) VCF-style: chr10-27368061-G-A.
Other names: c.770C>T, p.Ser257Leu (NM_001256053.2); short protein forms S257L.
Identifiers: ClinVar variation 1336586 (VCV001336586.7), dbSNP rs1423762033, ClinGen allele CA376363340.
Genomic context (GRCh38, chr10:27,079,132, plus strand): 5'-ATGAGAGAGCACTTTACCTTAGTATCAAAATTGAGGTCTTCGTCATCTGAGGTAGGCCAT[G>A]AATCATCAACACCCGGTTTGCCAGAAAGCCTTTAGAACAAAAATATAGAAAAATGAGTGA-3'
Protein context (NP_055730.2, residues 247-267): RLSGKPGVDD[Ser257Leu]WPTSDDEDLN